The following is an entry in ClinVar:

ClinVar aggregate classification (germline): Uncertain significance. Review status: criteria provided, single submitter (1 of 4 stars). 2 submissions from 2 submitters: Uncertain significance (1). 1 of the submissions does not count toward it. Last evaluated 2024-01-10.

Conditions:
Inborn genetic diseases. Identifiers: MedGen C0950123, MeSH D030342.
Spinocerebellar ataxia, autosomal recessive 32 (SCAR32). Identifiers: MedGen C5676978, MONDO:0859245, OMIM 619862.

Submissions (2):

Ambry Genetics
Classification: Uncertain significance for Inborn genetic diseases. Last evaluated: 2024-01-10. Review status: criteria provided, single submitter. Criteria: Ambry Variant Classification Scheme 2023. Collection method: clinical testing. Allele origin: germline.
Comment: The c.539G>A (p.G180D) alteration is located in exon 5 (coding exon 5) of the PRDX3 gene. This alteration results from a G to A substitution at nucleotide position 539, causing the glycine (G) at amino acid position 180 to be replaced by an aspartic acid (D). This variant was not reported in population-based cohorts in the Genome Aggregation Database (gnomAD). This amino acid position is highly conserved in available vertebrate species. This alteration is predicted to be deleterious by in silico analysis. Based on insufficient or conflicting evidence, the clinical significance of this alteration remains unclear.

Undiagnosed Diseases Network, NIH
Classification: Pathogenic for Spinocerebellar ataxia, autosomal recessive 32. Last evaluated: 2024-03-20. Review status: no assertion criteria provided. Collection method: clinical testing. Allele origin: paternal. Affected: yes. Observed: 1 variant allele, 1 compound heterozygote. Study: Undiagnosed Diseases Network (NIH), UDN. Not counted in ClinVar's aggregate classification.

NM_006793.5(PRDX3):c.539G>A (p.Gly180Asp)

Gene: PRDX3 (peroxiredoxin 3; minus strand). Cytogenetic location: 10q26.11.
Variant type: single nucleotide variant.
Coding change: c.539G>A on transcript NM_006793.5 (MANE Select); coding-DNA position 539, G replaced by A.
Protein change: p.Gly180Asp; replaces glycine 180 with aspartic acid.
Molecular consequence: missense variant. On other transcripts: non-coding transcript variant (3).
Genome position (GRCh38, 1-based): chr10:119,172,394, C>T on the plus strand (G>A on the coding strand, the complement: PRDX3 is on the minus strand). VCF-style: chr10-119172394-C-T. GRCh37 (hg19) VCF-style: chr10-120931906-C-T.
Other names: p.G180D; c.539G>A, p.Gly180Asp (NM_001302272.2); c.539G>A (NM_006793.4); short protein forms G180D.
Identifiers: ClinVar variation 3218495 (VCV003218495.3), dbSNP rs111598071, ClinGen allele CA214193074.